The following is an entry in ClinVar:

NM_001355436.2(SPTB):c.716A>G (p.Asn239Ser)

Gene: SPTB (spectrin beta, erythrocytic; minus strand). Cytogenetic location: 14q23.3.
Variant type: single nucleotide variant.
Coding change: c.716A>G on transcript NM_001355436.2 (MANE Select); coding-DNA position 716, A replaced by G.
Protein change: p.Asn239Ser; replaces asparagine 239 with serine.
Molecular consequence: missense variant.
Genome position (GRCh38, 1-based): chr14:64,801,332, T>C on the plus strand (A>G on the coding strand, the complement: SPTB is on the minus strand). VCF-style: chr14-64801332-T-C. GRCh37 (hg19) VCF-style: chr14-65268050-T-C.
Other names: NM_000347.5:c.716A>G; c.716A>G, p.Asn239Ser (NM_001024858.4, NM_001355437.2); c.716A>G (NM_001024858.2); short protein forms N239S.
Identifiers: ClinVar variation 2617932 (VCV002617932.3), dbSNP rs756224667, ClinGen allele CA7231350.

ClinVar aggregate classification (germline): Uncertain significance. Review status: criteria provided, multiple submitters, no conflicts (2 of 4 stars). 2 submissions from 2 submitters: Uncertain significance (2). Last evaluated 2025-01-22.

Conditions:
SPTB-related disorder. Also called: SPTB-Related Disorders; SPTB-related condition.
Inborn genetic diseases. Identifiers: MedGen C0950123, MeSH D030342.

Allele frequency attached by ClinVar (database versions not stated): TOPMed below 0.00001; gnomAD 0.00001; ExAC 0.00003; gnomAD exomes 0.00004.
gnomAD v4.1: 56 of 1,614,050 alleles (0.0035%); highest among the groups gnomAD compares: Non-Finnish European, 0.0045%; no homozygotes.

Submissions (2):

PreventionGenetics, part of Exact Sciences
Classification: Uncertain significance for SPTB-related condition. Last evaluated: 2025-01-22. Review status: criteria provided, single submitter. Criteria: ACMG Guidelines, 2015. Collection method: clinical testing. Allele origin: germline.
Comment: The SPTB c.716A>G variant is predicted to result in the amino acid substitution p.Asn239Ser. To our knowledge, this variant has not been reported in the literature. This variant is reported in 0.0062% of alleles in individuals of European (Non-Finnish) descent in gnomAD. At this time, the clinical significance of this variant is uncertain due to the absence of conclusive functional and genetic evidence.

Ambry Genetics
Classification: Uncertain significance for Inborn genetic diseases. Last evaluated: 2023-08-14. Review status: criteria provided, single submitter. Criteria: Ambry Variant Classification Scheme 2023. Collection method: clinical testing. Allele origin: germline.